The following is an entry in ClinVar:

ClinVar aggregate classification (germline): Uncertain significance (1 of 4 stars; one submission).

Conditions:
DICER1-related tumor predisposition. Also called: DICER1-related pleuropulmonary blastoma cancer predisposition syndrome; DICER1 syndrome. Identifiers: Orphanet 284343, MedGen C3839822, MONDO:0100216.

Submission:

Labcorp Genetics (formerly Invitae), Labcorp
Classification: Uncertain significance for DICER1-related tumor predisposition. Last evaluated: 2023-01-24. Review status: criteria provided, single submitter. Criteria: Invitae Variant Classification Sherloc (09022015). Collection method: clinical testing. Allele origin: germline.
Comment: In summary, the available evidence is currently insufficient to determine the role of this variant in disease. Therefore, it has been classified as a Variant of Uncertain Significance. Advanced modeling of protein sequence and biophysical properties (such as structural, functional, and spatial information, amino acid conservation, physicochemical variation, residue mobility, and thermodynamic stability) performed at Invitae indicates that this missense variant is not expected to disrupt DICER1 protein function. This variant has not been reported in the literature in individuals affected with DICER1-related conditions. This variant is not present in population databases (gnomAD no frequency). This sequence change replaces valine, which is neutral and non-polar, with alanine, which is neutral and non-polar, at codon 776 of the DICER1 protein (p.Val776Ala).

NM_177438.3(DICER1):c.2327T>C (p.Val776Ala)

Gene: DICER1 (dicer 1, ribonuclease III; minus strand). Cytogenetic location: 14q32.13.
Variant type: single nucleotide variant.
Coding change: c.2327T>C on transcript NM_177438.3 (MANE Select); coding-DNA position 2327, T replaced by C.
Protein change: p.Val776Ala; replaces valine 776 with alanine.
Molecular consequence: missense variant. On other transcripts: non-coding transcript variant (6).
Genome position (GRCh38, 1-based): chr14:95,108,433, A>G on the plus strand (T>C on the coding strand, the complement: DICER1 is on the minus strand). VCF-style: chr14-95108433-A-G. GRCh37 (hg19) VCF-style: chr14-95574770-A-G.
Other names: c.2327T>C, p.Val776Ala (NM_001195573.1, NM_001271282.3, NM_001291628.2 and 13 more transcripts); c.2045T>C, p.Val682Ala (NM_001395686.1); c.1922T>C, p.Val641Ala (NM_001395687.1, NM_001395688.1, NM_001395689.1 and 2 more transcripts); c.1760T>C, p.Val587Ala (NM_001395691.1); c.644T>C, p.Val215Ala (NM_001395697.1); short protein forms V776A, V682A, V215A, V641A, V587A.
Identifiers: ClinVar variation 2831471 (VCV002831471.3), dbSNP rs1060503618, ClinGen allele CA390882284.